The following is an entry in ClinVar:

NM_020680.4(SCYL1):c.1A>T (p.Met1Leu)

Genes: SCYL1 (SCY1 like pseudokinase 1; plus strand), LOC130006026 (ATAC-STARR-seq lymphoblastoid silent region 3529; plus strand). Cytogenetic location: 11q13.1.
Variant type: single nucleotide variant.
Coding change: c.1A>T on transcript NM_020680.4 (MANE Select); coding-DNA position 1, A replaced by T.
Protein change: p.Met1Leu; changes the start codon (methionine 1).
Molecular consequence: missense variant, initiator codon variant. On other transcripts: 5 prime UTR variant (11).
Genome position (GRCh38, 1-based): chr11:65,525,154, A>T. VCF-style: chr11-65525154-A-T. GRCh37 (hg19) VCF-style: chr11-65292625-A-T.
Other names: p.Met1?; c.1A>T, p.Met1Leu (NM_001048218.2, NM_001411022.1, NM_001425179.1 and 21 more transcripts); c.-260A>T (NM_001425199.1, NM_001425200.1); c.-449A>T (NM_001425203.1, NM_001425204.1, NM_001425205.1 and 1 more transcripts); c.-425A>T (NM_001425206.1); c.-385A>T (NM_001425208.1, NM_001425209.1, NM_001425210.1 and 1 more transcripts); short protein forms M1L.
Identifiers: ClinVar variation 3381066 (VCV003381066.1).

ClinVar aggregate classification (germline): Likely pathogenic (1 of 4 stars; one submission).

Submission:

Mayo Clinic Laboratories, Mayo Clinic
Classification: Likely pathogenic. Last evaluated: 2024-01-04. Review status: criteria provided, single submitter. Criteria: ACMG Guidelines, 2015. Collection method: clinical testing. Allele origin: germline. Observed: 1 variant allele.
Comment: PM2_moderate, PVS1_strong